The following is an entry in ClinVar:

ClinVar aggregate classification (germline): Uncertain significance (1 of 4 stars; one submission).

Conditions:
Osteogenesis imperfecta type 8 (OI8). Identifiers: MedGen C1970458, MONDO:0012581, OMIM 610915.

Allele frequency attached by ClinVar (database versions not stated): gnomAD exomes below 0.00001.
gnomAD v4.1: 3 of 1,614,142 alleles (0.00019%); highest among the groups gnomAD compares: Non-Finnish European, 0.00025%; no homozygotes.

Submission:

Labcorp Genetics (formerly Invitae), Labcorp
Classification: Uncertain significance for Osteogenesis imperfecta type 8. Last evaluated: 2022-08-31. Review status: criteria provided, single submitter. Criteria: Invitae Variant Classification Sherloc (09022015). Collection method: clinical testing. Allele origin: germline.
Comment: In summary, the available evidence is currently insufficient to determine the role of this variant in disease. Therefore, it has been classified as a Variant of Uncertain Significance. Variants that disrupt the consensus splice site are a relatively common cause of aberrant splicing (PMID: 17576681, 9536098). Algorithms developed to predict the effect of sequence changes on RNA splicing suggest that this variant is not likely to affect RNA splicing. ClinVar contains an entry for this variant (Variation ID: 1035488). This variant has not been reported in the literature in individuals affected with P3H1-related conditions. This variant is not present in population databases (gnomAD no frequency). This sequence change falls in intron 9 of the P3H1 gene. It does not directly change the encoded amino acid sequence of the P3H1 protein. It affects a nucleotide within the consensus splice site.

Literature cited by the submitters: PubMed 17576681; PubMed 9536098.

NM_022356.4(P3H1):c.1473+3A>G

Gene: P3H1 (prolyl 3-hydroxylase 1; minus strand). Cytogenetic location: 1p34.2.
Variant type: single nucleotide variant.
Coding change: c.1473+3A>G on transcript NM_022356.4 (MANE Select); 3 bases into the intron after coding-DNA position 1473, A replaced by G.
Molecular consequence: intron variant.
Genome position (GRCh38, 1-based): chr1:42,752,534, T>C on the plus strand (A>G on the coding strand, the complement: P3H1 is on the minus strand). VCF-style: chr1-42752534-T-C. GRCh37 (hg19) VCF-style: chr1-43218205-T-C.
Other names: c.1473+3A>G (NM_001146289.2, NM_001243246.2).
Identifiers: ClinVar variation 1035488 (VCV001035488.6), dbSNP rs1652167519, ClinGen allele CA1165340866.
Genomic context (GRCh38, chr1:42,752,534, plus strand): 5'-GGGGCACTTGGTGGGGGGATGCTGGACCCTTGGGGGAAGGTGCAGTCACTGGGCTTCCCT[T>C]ACATTGGTCAGTCTCTGCAGCTCCTGACACTCGTGGTCAGAGATTACGCCGTCCATCACC-3'